The following is an entry in ClinVar:

ClinVar aggregate classification (germline): Uncertain significance. Review status: criteria provided, multiple submitters, no conflicts (2 of 4 stars). 2 submissions from 2 submitters: Uncertain significance (2). Last evaluated 2025-05-23.

Submissions (2):

Ambry Genetics
Classification: Uncertain significance. Last evaluated: 2025-05-23. Review status: criteria provided, single submitter. Criteria: Ambry Variant Classification Scheme 2023. Collection method: clinical testing. Allele origin: germline.

Labcorp Genetics (formerly Invitae), Labcorp
Classification: Uncertain significance. Last evaluated: 2025-01-08. Review status: criteria provided, single submitter. Criteria: Invitae Variant Classification Sherloc (09022015). Collection method: clinical testing. Allele origin: germline.
Comment: This sequence change replaces serine, which is neutral and polar, with alanine, which is neutral and non-polar, at codon 180 of the MOCS3 protein (p.Ser180Ala). This variant is not present in population databases (gnomAD no frequency). This variant has not been reported in the literature in individuals affected with MOCS3-related conditions. An algorithm developed to predict the effect of missense changes on protein structure and function (PolyPhen-2) suggests that this variant is likely to be disruptive. In summary, the available evidence is currently insufficient to determine the role of this variant in disease. Therefore, it has been classified as a Variant of Uncertain Significance.

NM_014484.5(MOCS3):c.538T>G (p.Ser180Ala)

Gene: MOCS3 (molybdenum cofactor synthesis 3; plus strand). Cytogenetic location: 20q13.13.
Variant type: single nucleotide variant.
Coding change: c.538T>G on transcript NM_014484.5 (MANE Select); coding-DNA position 538, T replaced by G.
Protein change: p.Ser180Ala; replaces serine 180 with alanine.
Molecular consequence: missense variant.
Genome position (GRCh38, 1-based): chr20:50,959,380, T>G. VCF-style: chr20-50959380-T-G. GRCh37 (hg19) VCF-style: chr20-49575917-T-G.
Other names: c.538T>G (NM_014484.3); short protein forms S180A.
Identifiers: ClinVar variation 3606823 (VCV003606823.3).